The following is an entry in ClinVar:

ClinVar aggregate classification (germline): Uncertain significance (1 of 4 stars; one submission).

Conditions:
Deficiency of acetyl-CoA acetyltransferase. Also called: Beta-ketothiolase deficiency; 3-KETOTHIOLASE DEFICIENCY; 3-OXOTHIOLASE DEFICIENCY; MITOCHONDRIAL ACETOACETYL-CoA THIOLASE DEFICIENCY. Identifiers: Orphanet 134, MedGen C1536500, MONDO:0008760, OMIM 203750. Disease mechanism: loss of function.

Allele frequency attached by ClinVar (database versions not stated): ExAC 0.00001; gnomAD 0.00001; 1000 Genomes Project 30x 0.00016; 1000 Genomes Project 0.00020.
gnomAD v4.1: 2 of 1,613,968 alleles (0.00012%); highest among the groups gnomAD compares: African/African-American, 0.0013%; no homozygotes.

Submission:

Labcorp Genetics (formerly Invitae), Labcorp
Classification: Uncertain significance for Deficiency of acetyl-CoA acetyltransferase. Last evaluated: 2019-11-09. Review status: criteria provided, single submitter. Criteria: Invitae Variant Classification Sherloc (09022015). Collection method: clinical testing. Allele origin: germline.
Comment: In summary, the available evidence is currently insufficient to determine the role of this variant in disease. Therefore, it has been classified as a Variant of Uncertain Significance. Algorithms developed to predict the effect of missense changes on protein structure and function are either unavailable or do not agree on the potential impact of this missense change (SIFT: "Deleterious"; PolyPhen-2: "Probably Damaging"; Align-GVGD: "Class C0"). This variant has not been reported in the literature in individuals with ACAT1-related conditions. This variant is present in population databases (rs545826042, ExAC 0.01%). This sequence change replaces alanine with valine at codon 47 of the ACAT1 protein (p.Ala47Val). The alanine residue is highly conserved and there is a small physicochemical difference between alanine and valine.

NM_000019.4(ACAT1):c.140C>T (p.Ala47Val)

Gene: ACAT1 (acetyl-CoA acetyltransferase 1; plus strand). Cytogenetic location: 11q22.3.
Variant type: single nucleotide variant.
Coding change: c.140C>T on transcript NM_000019.4 (MANE Select); coding-DNA position 140, C replaced by T.
Protein change: p.Ala47Val; replaces alanine 47 with valine.
Molecular consequence: missense variant.
Genome position (GRCh38, 1-based): chr11:108,133,839, C>T. VCF-style: chr11-108133839-C-T. GRCh37 (hg19) VCF-style: chr11-108004566-C-T.
Other names: short protein forms A47V.
Identifiers: ClinVar variation 958644 (VCV000958644.10), dbSNP rs545826042, ClinGen allele CA6263029.